The following is an entry in ClinVar:

NM_003128.3(SPTBN1):c.2471T>C (p.Leu824Pro)

Gene: SPTBN1 (spectrin beta, non-erythrocytic 1; plus strand). Cytogenetic location: 2p16.2.
Variant type: single nucleotide variant.
Coding change: c.2471T>C on transcript NM_003128.3 (MANE Select); coding-DNA position 2471, T replaced by C.
Protein change: p.Leu824Pro; replaces leucine 824 with proline.
Molecular consequence: missense variant.
Genome position (GRCh38, 1-based): chr2:54,629,605, T>C. VCF-style: chr2-54629605-T-C. GRCh37 (hg19) VCF-style: chr2-54856742-T-C.
Other names: c.2432T>C, p.Leu811Pro (NM_178313.3); short protein forms L811P, L824P.
Identifiers: ClinVar variation 1321304 (VCV001321304.1), dbSNP rs1678595186, ClinGen allele CA346882647.
Genomic context (GRCh38, chr2:54,629,605, plus strand): 5'-ACGAACAAGCCAGCGCCCTCCCCCAGGAGCATGCCGAGTCTCCAGACGTGAGGGGCAGGC[T>C]GTCGGGCATCGAGGAGCGGTATAAGGAGGTGGCAGAGCTGACGCGGCTGCGGAAGCAGGC-3'
Protein context (NP_003119.2, residues 814-834): HAESPDVRGR[Leu824Pro]SGIEERYKEV

ClinVar aggregate classification (germline): Uncertain significance (1 of 4 stars; one submission).

Conditions:
Developmental delay, impaired speech, and behavioral abnormalities. Identifiers: MedGen C5561957, MONDO:0859178, OMIM 619475.

Allele frequency attached by ClinVar (database versions not stated): gnomAD exomes below 0.00001.
gnomAD v4.1: 2 of 1,613,992 alleles (0.00012%); highest among the groups gnomAD compares: East Asian, 0.0022%; no homozygotes.

Submission:

3billion
Classification: Uncertain significance for Developmental delay, impaired speech, and behavioral abnormalities. Last evaluated: 2021-10-25. Review status: criteria provided, single submitter. Criteria: ACMG Guidelines, 2015. Collection method: clinical testing. Allele origin: unknown. Affected: yes. Observed: 1 heterozygote.
Comment: This is not observed in the gnomAD v2.1.1 dataset (PM2). In silico tool predictions suggest damaging effect of the variant on gene or gene product (REVEL: 0.849, 3Cnet: 0.721, PP3). Therefore, this variant is classified as uncertain significance according to the recommendation of ACMG/AMP guideline.